The following is an entry in ClinVar:

NM_001199138.2(NLRC4):c.2325G>C (p.Met775Ile)

Gene: NLRC4 (NLR family CARD domain containing 4; minus strand). Cytogenetic location: 2p22.3.
Variant type: single nucleotide variant.
Coding change: c.2325G>C on transcript NM_001199138.2 (MANE Select); coding-DNA position 2325, G replaced by C.
Protein change: p.Met775Ile; replaces methionine 775 with isoleucine.
Molecular consequence: missense variant.
Genome position (GRCh38, 1-based): chr2:32,241,058, C>G on the plus strand (G>C on the coding strand, the complement: NLRC4 is on the minus strand). VCF-style: chr2-32241058-C-G. GRCh37 (hg19) VCF-style: chr2-32466127-C-G.
Other names: c.2325G>C, p.Met775Ile (NM_001199139.2, NM_021209.5); c.330G>C, p.Met110Ile (NM_001302504.2); short protein forms M110I, M775I.
Identifiers: ClinVar variation 2942744 (VCV002942744.4), dbSNP rs1306511824, ClinGen allele CA346510057.
Genomic context (GRCh38, chr2:32,241,058, plus strand): 5'-TTACATTGATACAAATATGAGAACAGAAATCTGACCTAGTTTTATAGCATCTTCTTCATT[C>G]ATCTTTATGTTATCCATTATGAGCTTTGTAAGGTTCTTCAAGTTACCCAAGCTGTCAGTC-3'
Protein context (NP_001186067.1, residues 765-785): LTKLIMDNIK[Met775Ile]NEEDAIKLAE

ClinVar aggregate classification (germline): Uncertain significance. Review status: criteria provided, multiple submitters, no conflicts (2 of 4 stars). 2 submissions from 2 submitters: Uncertain significance (2). Last evaluated 2024-01-04.

Conditions:
Periodic fever-infantile enterocolitis-autoinflammatory syndrome. Also called: Autoinflammation with infantile enterocolitis. Identifiers: Orphanet 436166, MedGen C4015067, MONDO:0014472, OMIM 616050.
Familial cold autoinflammatory syndrome 4 (FCAS4). Identifiers: Orphanet 47045, Orphanet 576349, MedGen C4015276, MONDO:0014498, OMIM 616115.

Allele frequency attached by ClinVar (database versions not stated): gnomAD exomes 0.00001.
gnomAD v4.1: 9 of 1,604,282 alleles (0.00056%); highest among the groups gnomAD compares: Admixed American, 0.0017%; no homozygotes.

Submissions (2):

Labcorp Genetics (formerly Invitae), Labcorp
Classification: Uncertain significance for Periodic fever-infantile enterocolitis-autoinflammatory syndrome; Familial cold autoinflammatory syndrome 4. Last evaluated: 2024-01-04. Review status: criteria provided, single submitter. Criteria: Invitae Variant Classification Sherloc (09022015). Collection method: clinical testing. Allele origin: germline.
Comment: This sequence change replaces methionine, which is neutral and non-polar, with isoleucine, which is neutral and non-polar, at codon 775 of the NLRC4 protein (p.Met775Ile). This variant is present in population databases (no rsID available, gnomAD 0.009%). This variant has not been reported in the literature in individuals affected with NLRC4-related conditions. Advanced modeling of protein sequence and biophysical properties (such as structural, functional, and spatial information, amino acid conservation, physicochemical variation, residue mobility, and thermodynamic stability) performed at Invitae indicates that this missense variant is expected to disrupt NLRC4 protein function with a positive predictive value of 80%. In summary, the available evidence is currently insufficient to determine the role of this variant in disease. Therefore, it has been classified as a Variant of Uncertain Significance.

Blueprint Genetics
Classification: Uncertain significance. Last evaluated: 2020-01-28. Review status: criteria provided, single submitter. Criteria: ACMG Guidelines, 2015. Collection method: clinical testing. Allele origin: germline.